The following is an entry in ClinVar:

NM_007327.4(GRIN1):c.570+10G>A

Gene: GRIN1 (glutamate ionotropic receptor NMDA type subunit 1; plus strand). Cytogenetic location: 9q34.3.
Variant type: single nucleotide variant.
Coding change: c.570+10G>A on transcript NM_007327.4 (MANE Select); 10 bases into the intron after coding-DNA position 570, G replaced by A.
Molecular consequence: intron variant.
Genome position (GRCh38, 1-based): chr9:137,145,912, G>A. VCF-style: chr9-137145912-G-A. GRCh37 (hg19) VCF-style: chr9-140040364-G-A.
Other names: c.570+10G>A (NM_001185090.1, NM_001185090.2, NM_001185091.2 and 2 more transcripts).
Identifiers: ClinVar variation 388019 (VCV000388019.17), dbSNP rs200924771, ClinGen allele CA5360675.
Genomic context (GRCh38, chr9:137,145,912, plus strand): 5'-CGGGCGGCTCAGAAACGCCTGGAGACGCTGCTGGAGGAGCGTGAGTCCAAGGTGAGGGTC[G>A]GCGCCGCGGGTGGGCGCCTGGCGGAGCCGAGGTGCAGGACGGGCCGCCTTGTGTCTGTGG-3'

ClinVar aggregate classification (germline): Benign/Likely benign. Review status: criteria provided, multiple submitters, no conflicts (2 of 4 stars). 4 submissions from 4 submitters: Benign (2); Likely benign (2). Last evaluated 2026-01-02.

Conditions:
Neurodevelopmental disorder with or without hyperkinetic movements and seizures, autosomal dominant. Also called: Intellectual disability, autosomal dominant 8. Identifiers: MedGen C3280282, MONDO:0013655, OMIM 614254.

Allele frequency attached by ClinVar (database versions not stated): 1000 Genomes Project 30x 0.00016; 1000 Genomes Project 0.00020; ESP Exome Variant Server 0.00054; gnomAD exomes 0.00068 and 0.00166; gnomAD 0.00078 and 0.00082; TOPMed 0.00083; ExAC 0.00237.
gnomAD v4.1: 1,179 of 1,586,810 alleles (0.074%); highest among the groups gnomAD compares: Middle Eastern, 0.52%; 10 homozygotes.

Submissions (4):

Labcorp Genetics (formerly Invitae), Labcorp
Classification: Benign for Neurodevelopmental disorder with or without hyperkinetic movements and seizures, autosomal dominant. Last evaluated: 2026-01-02. Review status: criteria provided, single submitter. Criteria: Invitae Variant Classification Sherloc (09022015). Collection method: clinical testing. Allele origin: germline.

Athena Diagnostics
Classification: Benign. Last evaluated: 2024-02-01. Review status: criteria provided, single submitter. Criteria: Athena Diagnostics Criteria. Collection method: clinical testing. Allele origin: unknown.

GeneDx
Classification: Likely benign. Last evaluated: 2017-12-11. Review status: criteria provided, single submitter. Criteria: GeneDx Variant Classification (06012015). Collection method: clinical testing. Allele origin: germline. Affected: yes.
Comment: This variant is considered likely benign or benign based on one or more of the following criteria: it is a conservative change, it occurs at a poorly conserved position in the protein, it is predicted to be benign by multiple in silico algorithms, and/or has population frequency not consistent with disease.

Breakthrough Genomics
Classification: Likely benign. Review status: criteria provided, single submitter. Criteria: ACMG Guidelines, 2015. Collection method: not provided. Allele origin: germline. Inheritance: Autosomal recessive inheritance. Affected: yes.